The following is an entry in ClinVar:

ClinVar aggregate classification (germline): Likely benign. Review status: criteria provided, multiple submitters, no conflicts (2 of 4 stars). 5 submissions from 5 submitters: Likely benign (5). Last evaluated 2026-07-01.

Conditions:
Glycogen storage disease, type II (IOPD). Also called: Deficiency of alpha-glucosidase; Deficiency of lysosomal alpha-glucosidase; Glycogen storage disease type 2; Acid maltase deficiency disease; Aglucosidase alfa; CARDIOMEGALIA GLYCOGENICA DIFFUSA. Identifiers: Orphanet 365, MedGen C0017921, MONDO:0009290, OMIM 232300.
Cardiovascular phenotype. Identifiers: MedGen CN230736.

Allele frequency attached by ClinVar (database versions not stated): gnomAD 0.00001; TOPMed 0.00001; gnomAD exomes 0.00002; ExAC 0.00003.
gnomAD v4.1: 30 of 1,600,798 alleles (0.0019%); highest among the groups gnomAD compares: Admixed American, 0.0034%; no homozygotes.

Submissions (5):

Genomenon, Inc
Classification: Likely benign for Glycogen storage disease, type II. Last evaluated: 2026-07-01. Review status: criteria provided, single submitter. Criteria: Genomenon Sequence Variant Interpretation Standards - Updated. Collection method: curation. Allele origin: germline. Affected: no.
Comment: GAA c.2070G>A is a synonymous variant that retains Proline at codon 690. This variant has been reported in the published literature (PMID:29149851). It is absent or not present at a significant frequency in gnomAD. This variant is not predicted to impact splicing. In conclusion, we classify GAA c.2070G>A (p.Pro690=) as a likely benign variant.

Labcorp Genetics (formerly Invitae), Labcorp
Classification: Likely benign for Glycogen storage disease, type II. Last evaluated: 2025-12-09. Review status: criteria provided, single submitter. Criteria: Invitae Variant Classification Sherloc (09022015). Collection method: clinical testing. Allele origin: germline.

CeGaT Center for Human Genetics Tuebingen
Classification: Likely benign. Last evaluated: 2024-10-01. Review status: criteria provided, single submitter. Criteria: CeGaT Center For Human Genetics Tuebingen Variant Classification Criteria Version 2. Collection method: clinical testing. Allele origin: germline. Affected: yes. Observed: 1 variant allele.
Comment: GAA: BP4, BP7

Blueprint Genetics
Classification: Likely benign. Last evaluated: 2021-11-24. Review status: criteria provided, single submitter. Criteria: ACMG Guidelines, 2015. Collection method: clinical testing. Allele origin: germline.

Ambry Genetics
Classification: Likely benign for Cardiovascular phenotype. Last evaluated: 2021-07-18. Review status: criteria provided, single submitter. Criteria: Ambry Variant Classification Scheme 2023. Collection method: clinical testing. Allele origin: germline.

Literature cited by the submitters: PubMed 29149851 (cited by Genomenon, Inc).

NM_000152.5(GAA):c.2070G>A (p.Pro690=)

Gene: GAA (alpha glucosidase; plus strand). Cytogenetic location: 17q25.3.
Variant type: single nucleotide variant.
Coding change: c.2070G>A on transcript NM_000152.5 (MANE Select); coding-DNA position 2070, G replaced by A.
Protein change: p.Pro690=; no amino-acid change (proline 690 retained).
Molecular consequence: synonymous variant.
Genome position (GRCh38, 1-based): chr17:80,113,247, G>A. VCF-style: chr17-80113247-G-A. GRCh37 (hg19) VCF-style: chr17-78087046-G-A.
Other names: c.2070G>A, p.Pro690= (NM_001079803.3, NM_001079804.3).
Identifiers: ClinVar variation 1139948 (VCV001139948.27), dbSNP rs757802524, ClinGen allele CA8815607.